The following is an entry in ClinVar:

ClinVar aggregate classification (germline): Benign. Review status: criteria provided, single submitter (1 of 4 stars). 2 submissions from 2 submitters: Benign (1). 1 of the submissions does not count toward it. Last evaluated 2018-06-29.

Conditions:
TNK1-related disorder. Also called: TNK1-related condition.

Allele frequency attached by ClinVar (database versions not stated): gnomAD exomes 0.00037; ExAC 0.00063; ESP Exome Variant Server 0.00099; 1000 Genomes Project 0.00100; 1000 Genomes Project 30x 0.00141; gnomAD 0.00143 and 0.00157; TOPMed 0.00159.

Submissions (2):

Labcorp Genetics (formerly Invitae), Labcorp
Classification: Benign. Last evaluated: 2018-06-29. Review status: criteria provided, single submitter. Criteria: Invitae Variant Classification Sherloc (09022015). Collection method: clinical testing. Allele origin: germline.

PreventionGenetics, part of Exact Sciences
Classification: Likely benign for TNK1-related condition. Last evaluated: 2019-04-05. Review status: no assertion criteria provided. Collection method: clinical testing. Allele origin: germline. Not counted in ClinVar's aggregate classification.
Comment: This variant is classified as likely benign based on ACMG/AMP sequence variant interpretation guidelines (Richards et al. 2015 PMID: 25741868, with internal and published modifications).

NM_003985.6(TNK1):c.1059C>T (p.Tyr353=)

Gene: TNK1 (tyrosine kinase non receptor 1; plus strand). Cytogenetic location: 17p13.1.
Variant type: single nucleotide variant.
Coding change: c.1059C>T on transcript NM_003985.6 (MANE Select); coding-DNA position 1059, C replaced by T.
Protein change: p.Tyr353=; no amino-acid change (tyrosine 353 retained).
Molecular consequence: synonymous variant.
Genome position (GRCh38, 1-based): chr17:7,384,676, C>T. VCF-style: chr17-7384676-C-T. GRCh37 (hg19) VCF-style: chr17-7287995-C-T.
Other names: c.1059C>T, p.Tyr353= (NM_001251902.3).
Identifiers: ClinVar variation 777119 (VCV000777119.5), dbSNP rs200198729, ClinGen allele CA8345081.